The following is an entry in ClinVar:

ClinVar aggregate classification (germline): Uncertain significance (1 of 4 stars; one submission).

gnomAD v4.1: 3 of 1,583,302 alleles (0.00019%); highest among the groups gnomAD compares: African/African-American, 0.0014%; no homozygotes.

Submission:

GeneDx
Classification: Uncertain significance. Last evaluated: 2026-04-01. Review status: criteria provided, single submitter. Criteria: GeneDx Variant Classification Process June 2021. Collection method: clinical testing. Allele origin: germline.
Comment: Not observed at significant frequency in large population cohorts (gnomAD); In silico analysis suggests that this missense variant does not alter protein structure/function; Has not been previously published as pathogenic or benign to our knowledge

NM_004387.4(NKX2-5):c.271G>A (p.Ala91Thr)

Gene: NKX2-5 (NK2 homeobox 5; minus strand). Cytogenetic location: 5q35.1.
Variant type: single nucleotide variant.
Coding change: c.271G>A on transcript NM_004387.4 (MANE Select); coding-DNA position 271, G replaced by A.
Protein change: p.Ala91Thr; replaces alanine 91 with threonine.
Molecular consequence: missense variant.
Genome position (GRCh38, 1-based): chr5:173,234,813, C>T on the plus strand (G>A on the coding strand, the complement: NKX2-5 is on the minus strand). VCF-style: chr5-173234813-C-T. GRCh37 (hg19) VCF-style: chr5-172661816-C-T.
Other names: c.271G>A, p.Ala91Thr (NM_001166175.2, NM_001166176.2); short protein forms A91T.
Identifiers: ClinVar variation 5018025 (VCV005018025.1).